The following is an entry in ClinVar:

ClinVar aggregate classification (germline): Uncertain significance. Review status: criteria provided, multiple submitters, no conflicts (2 of 4 stars). 3 submissions from 3 submitters: Uncertain significance (3). Last evaluated 2022-06-09.

Conditions:
Inborn genetic diseases. Identifiers: MedGen C0950123, MeSH D030342.

Allele frequency attached by ClinVar (database versions not stated): gnomAD exomes 0.00001 and 0.00002; ExAC 0.00002; gnomAD 0.00002; TOPMed 0.00002; ESP Exome Variant Server 0.00008.

Submissions (3):

Ambry Genetics
Classification: Uncertain significance for Inborn genetic diseases. Last evaluated: 2022-06-09. Review status: criteria provided, single submitter. Criteria: Ambry Variant Classification Scheme 2023. Collection method: clinical testing. Allele origin: germline.

Blueprint Genetics
Classification: Uncertain significance. Last evaluated: 2021-09-01. Review status: criteria provided, single submitter. Criteria: ACMG Guidelines, 2015. Collection method: clinical testing. Allele origin: germline.

Labcorp Genetics (formerly Invitae), Labcorp
Classification: Uncertain significance. Last evaluated: 2021-08-15. Review status: criteria provided, single submitter. Criteria: Invitae Variant Classification Sherloc (09022015). Collection method: clinical testing. Allele origin: germline.
Comment: In summary, the available evidence is currently insufficient to determine the role of this variant in disease. Therefore, it has been classified as a Variant of Uncertain Significance. Advanced modeling of protein sequence and biophysical properties (such as structural, functional, and spatial information, amino acid conservation, physicochemical variation, residue mobility, and thermodynamic stability) performed at Invitae indicates that this missense variant is expected to disrupt CNGB1 protein function. This variant has not been reported in the literature in individuals affected with CNGB1-related conditions. This variant is present in population databases (rs376947710, ExAC 0.001%). This sequence change replaces cysteine with tyrosine at codon 966 of the CNGB1 protein (p.Cys966Tyr). The cysteine residue is highly conserved and there is a large physicochemical difference between cysteine and tyrosine.

NM_001297.5(CNGB1):c.2897G>A (p.Cys966Tyr)

Gene: CNGB1 (cyclic nucleotide gated channel subunit beta 1; minus strand). Cytogenetic location: 16q21.
Variant type: single nucleotide variant.
Coding change: c.2897G>A on transcript NM_001297.5 (MANE Select); coding-DNA position 2897, G replaced by A.
Protein change: p.Cys966Tyr; replaces cysteine 966 with tyrosine.
Molecular consequence: missense variant.
Genome position (GRCh38, 1-based): chr16:57,901,431, C>T on the plus strand (G>A on the coding strand, the complement: CNGB1 is on the minus strand). VCF-style: chr16-57901431-C-T. GRCh37 (hg19) VCF-style: chr16-57935335-C-T.
Other names: c.2879G>A, p.Cys960Tyr (NM_001286130.2); c.2897G>A (NM_001297.4); short protein forms C960Y, C966Y.
Identifiers: ClinVar variation 1431467 (VCV001431467.6), dbSNP rs376947710, ClinGen allele CA8082764.
Genomic context (GRCh38, chr16:57,901,431, plus strand): 5'-TTGGGCAGGTAGACAACAGAGCGAAGCCTCTTCAGCATGTCAAAGATCATCTGCCGGTCA[C>T]AGCCCTGTCCCGGTGAGGAAGGGAAAGGAACTTTTTAGAGAAGATTGGGCTTGGAGCCTC-3'
Protein context (NP_001288.3, residues 956-976): IVSKVALFQG[Cys966Tyr]DRQMIFDMLK